The following is an entry in ClinVar:

ClinVar aggregate classification (germline): Conflicting classifications of pathogenicity. Review status: criteria provided, conflicting classifications (1 of 4 stars). 10 submissions from 10 submitters: Uncertain significance (5); Likely benign (3). 2 of the submissions do not count toward it. Last evaluated 2025-09-09.

Conditions:
PEX10-related disorder. Also called: PEX10-related condition.
Peroxisome biogenesis disorder 6A (Zellweger). Also called: Peroxisome biogenesis disorder 6A. Identifiers: Orphanet 912, MedGen C3553947, MONDO:0013936, OMIM 614870.
Peroxisome biogenesis disorder 6B (PBD6B). Identifiers: Orphanet 44, MedGen C3553948, MONDO:0013937, OMIM 614871.
Inborn genetic diseases. Identifiers: MedGen C0950123, MeSH D030342.
Peroxisome biogenesis disorder, complementation group 7 (CG7). Also called: Peroxisome biogenesis disorder, complementation group B. Identifiers: MedGen C1864399.
Zellweger spectrum disorders (ZS). Also called: Zellweger syndrome; Zellweger Spectrum Disorder; Zellweger Spectrum; Zellweger Spectrum Disorder (ZSD). Identifiers: Orphanet 912, MedGen C0043459, MONDO:0019609.

Allele frequency attached by ClinVar (database versions not stated): ExAC 0.00034; gnomAD 0.00045 and 0.00046; gnomAD exomes 0.00052 and 0.00063; 1000 Genomes Project 0.00060; TOPMed 0.00070; 1000 Genomes Project 30x 0.00078.
gnomAD v4.1: 995 of 1,610,888 alleles (0.062%); highest among the groups gnomAD compares: Admixed American, 0.16%; 2 homozygotes.

Submissions (10):

Mayo Clinic Laboratories, Mayo Clinic
Classification: Likely benign. Last evaluated: 2025-09-09. Review status: criteria provided, single submitter. Criteria: ACMG Guidelines, 2015. Collection method: clinical testing. Allele origin: germline. Observed: 4 variant alleles.
Comment: BS1, BP4_moderate

Blueprint Genetics
Classification: Likely benign. Last evaluated: 2024-11-08. Review status: criteria provided, single submitter. Criteria: ACMG Guidelines, 2015. Collection method: clinical testing. Allele origin: germline.

Labcorp Genetics (formerly Invitae), Labcorp
Classification: Uncertain significance for Peroxisome biogenesis disorder, complementation group 7. Last evaluated: 2022-11-01. Review status: criteria provided, single submitter. Criteria: Invitae Variant Classification Sherloc (09022015). Collection method: clinical testing. Allele origin: germline.
Comment: This sequence change replaces glycine, which is neutral and non-polar, with arginine, which is basic and polar, at codon 140 of the PEX10 protein (p.Gly140Arg). This variant is present in population databases (rs76530653, gnomAD 0.2%), and has an allele count higher than expected for a pathogenic variant. This variant has not been reported in the literature in individuals affected with PEX10-related conditions. ClinVar contains an entry for this variant (Variation ID: 296280). Algorithms developed to predict the effect of missense changes on protein structure and function output the following: SIFT: "Tolerated"; PolyPhen-2: "Benign"; Align-GVGD: "Class C0". The arginine amino acid residue is found in multiple mammalian species, which suggests that this missense change does not adversely affect protein function. In summary, the available evidence is currently insufficient to determine the role of this variant in disease. Therefore, it has been classified as a Variant of Uncertain Significance.

Fulgent Genetics
Classification: Uncertain significance for Peroxisome biogenesis disorder 6A (Zellweger); Peroxisome biogenesis disorder 6B. Last evaluated: 2021-12-09. Review status: criteria provided, single submitter. Criteria: ACMG Guidelines, 2015. Collection method: clinical testing. Allele origin: unknown.

Ambry Genetics
Classification: Likely benign for Inborn genetic diseases. Last evaluated: 2021-10-01. Review status: criteria provided, single submitter. Criteria: Ambry Variant Classification Scheme 2023. Collection method: clinical testing. Allele origin: germline.

Eurofins Ntd Llc (ga)
Classification: Uncertain significance. Last evaluated: 2018-06-29. Review status: criteria provided, single submitter. Criteria: EGL ClinVar v180209 classification definitions. Collection method: clinical testing. Allele origin: germline. Observed: 10 variant alleles, 10 heterozygotes.

Illumina Laboratory Services, Illumina
Classification: Uncertain significance for Peroxisome biogenesis disorder 6A (Zellweger). Last evaluated: 2018-01-12. Review status: criteria provided, single submitter. Criteria: ICSL Variant Classification Criteria 13 December 2019. Collection method: clinical testing. Allele origin: germline.

Breakthrough Genomics
Classification: Uncertain significance. Review status: criteria provided, single submitter. Criteria: ACMG Guidelines, 2015. Collection method: not provided. Allele origin: germline. Inheritance: Autosomal recessive inheritance. Affected: yes.

PreventionGenetics, part of Exact Sciences
Classification: Likely benign for PEX10-related condition. Last evaluated: 2022-03-16. Review status: no assertion criteria provided. Collection method: clinical testing. Allele origin: germline. Not counted in ClinVar's aggregate classification.
Comment: This variant is classified as likely benign based on ACMG/AMP sequence variant interpretation guidelines (Richards et al. 2015 PMID: 25741868, with internal and published modifications).

Natera, Inc.
Classification: Uncertain significance for Zellweger syndrome. Last evaluated: 2019-11-11. Review status: no assertion criteria provided. Collection method: clinical testing. Allele origin: germline. Not counted in ClinVar's aggregate classification.

NM_002617.4(PEX10):c.418G>C (p.Gly140Arg)

Gene: PEX10 (peroxisomal biogenesis factor 10; minus strand). Cytogenetic location: 1p36.32.
Variant type: single nucleotide variant.
Coding change: c.418G>C on transcript NM_002617.4 (MANE Select); coding-DNA position 418, G replaced by C.
Protein change: p.Gly140Arg; replaces glycine 140 with arginine.
Molecular consequence: missense variant. On other transcripts: 5 prime UTR variant (2), non-coding transcript variant (1).
Genome position (GRCh38, 1-based): chr1:2,408,634, C>G on the plus strand (G>C on the coding strand, the complement: PEX10 is on the minus strand). VCF-style: chr1-2408634-C-G. GRCh37 (hg19) VCF-style: chr1-2340073-C-G.
Other names: p.Gly140Arg; c.418G>C, p.Gly140Arg (NM_001374425.1, NM_153818.2); c.-15G>C (NM_001374426.1, NM_001374427.1); short protein forms G140R.
Identifiers: ClinVar variation 296280 (VCV000296280.25), dbSNP rs76530653, ClinGen allele CA538184.